The following is an entry in ClinVar:

ClinVar aggregate classification (germline): Pathogenic (1 of 4 stars; one submission).

Submission:

Athena Diagnostics
Classification: Pathogenic. Last evaluated: 2020-09-14. Review status: criteria provided, single submitter. Criteria: Athena Diagnostics criteria. Collection method: clinical testing. Allele origin: unknown.
Comment: This variant is expected to result in the loss of a functional protein. This variant has not been reported in large, multi-ethnic general populations. This variant has been identified in at least one individual with clinical features associated with this gene.

NM_001009944.3(PKD1):c.11161dup (p.Glu3721fs)

Genes: PKD1 (polycystin 1, transient receptor potential channel interacting; minus strand), PKD1-AS1 (PKD1 antisense RNA 1; plus strand). Cytogenetic location: 16p13.3.
Variant type: Duplication.
Coding change: c.11161dup on transcript NM_001009944.3 (MANE Select); coding-DNA position 11161, one base duplicated (G; older notation c.11161dupG).
Protein change: p.Glu3721fs; shifts the reading frame from glutamic acid 3721.
Molecular consequence: frameshift variant.
Genome position (GRCh38, 1-based): chr16:2,092,588, C duplicated on the plus strand (G on the coding strand, the reverse complement: PKD1 is on the minus strand). VCF-style (leftmost placement, unchanged base first): chr16-2092587-T-TC. GRCh37 (hg19) VCF-style: chr16-2142588-T-TC.
Other names: c.11158dup, p.Glu3720fs (NM_000296.4); short protein forms E3720fs, E3721fs.
Identifiers: ClinVar variation 1256434 (VCV001256434.1), dbSNP rs2151702333, ClinGen allele CA2499223364.
Genomic context (GRCh38, chr16:2,092,587, plus strand): 5'-CTGGACTGGTTCCCGTGGACGTAGGGCAGCAGCACGTGGGCCATCCATGGCCAGAGCTCC[T>TC]CAGACCTGCCACAGCATCAGTCACACGCTCCAGCCCCTACTGCCCCATGCCCGCCTCGAG-3'